The following is an entry in ClinVar:

NM_001282933.2(ZNF341):c.1035C>T (p.Thr345=)

Gene: ZNF341 (zinc finger protein 341; plus strand). Cytogenetic location: 20q11.22.
Variant type: single nucleotide variant.
Coding change: c.1035C>T on transcript NM_001282933.2 (MANE Select); coding-DNA position 1035, C replaced by T.
Protein change: p.Thr345=; no amino-acid change (threonine 345 retained).
Molecular consequence: synonymous variant. On other transcripts: non-coding transcript variant (1).
Genome position (GRCh38, 1-based): chr20:33,761,868, C>T. VCF-style: chr20-33761868-C-T. GRCh37 (hg19) VCF-style: chr20-32349674-C-T.
Other names: c.1035C>T (NM_001282933.1); c.765C>T, p.Thr255= (NM_001282935.2); c.1014C>T, p.Thr338= (NM_032819.5).
Identifiers: ClinVar variation 1165105 (VCV001165105.14), dbSNP rs192880441, ClinGen allele CA9819359.

ClinVar aggregate classification (germline): Benign/Likely benign. Review status: criteria provided, multiple submitters, no conflicts (2 of 4 stars). 5 submissions from 5 submitters: Benign (1); Likely benign (3). 1 of the submissions does not count toward it. Last evaluated 2026-08-01.

Conditions:
ZNF341-related disorder. Also called: ZNF341-related condition.

Allele frequency attached by ClinVar (database versions not stated): ESP Exome Variant Server 0.00008; 1000 Genomes Project 0.00020; 1000 Genomes Project 30x 0.00031; TOPMed 0.00053.
gnomAD v4.1: 262 of 1,541,962 alleles (0.017%); highest among the groups gnomAD compares: Admixed American, 0.3%; no homozygotes.

Submissions (5):

CeGaT Center for Human Genetics Tuebingen
Classification: Likely benign. Last evaluated: 2026-08-01. Review status: criteria provided, single submitter. Criteria: CeGaT Center For Human Genetics Tuebingen Variant Classification Criteria Version 2. Collection method: clinical testing. Allele origin: germline. Affected: yes. Observed: 1 variant allele.
Comment: ZNF341: BP4, BP7

Labcorp Genetics (formerly Invitae), Labcorp
Classification: Benign. Last evaluated: 2026-01-27. Review status: criteria provided, single submitter. Criteria: Invitae Variant Classification Sherloc (09022015). Collection method: clinical testing. Allele origin: germline.

Women's Health and Genetics/Laboratory Corporation of America, LabCorp
Classification: Likely benign. Last evaluated: 2026-01-23. Review status: criteria provided, single submitter. Criteria: LabCorp Variant Classification Summary - May 2015. Collection method: clinical testing. Allele origin: germline.

Blueprint Genetics
Classification: Likely benign. Last evaluated: 2024-05-31. Review status: criteria provided, single submitter. Criteria: ACMG Guidelines, 2015. Collection method: clinical testing. Allele origin: germline.

PreventionGenetics, part of Exact Sciences
Classification: Likely benign for ZNF341-related condition. Last evaluated: 2023-11-22. Review status: no assertion criteria provided. Collection method: clinical testing. Allele origin: germline. Not counted in ClinVar's aggregate classification.
Comment: This variant is classified as likely benign based on ACMG/AMP sequence variant interpretation guidelines (Richards et al. 2015 PMID: 25741868, with internal and published modifications).